The following is an entry in ClinVar:

ClinVar aggregate classification (germline): Uncertain significance (1 of 4 stars; one submission).

Conditions:
Disseminated atypical mycobacterial infection. Identifiers: MedGen C0694566.

Submission:

Labcorp Genetics (formerly Invitae), Labcorp
Classification: Uncertain significance for Disseminated atypical mycobacterial infection. Last evaluated: 2022-08-16. Review status: criteria provided, single submitter. Criteria: Invitae Variant Classification Sherloc (09022015). Collection method: clinical testing. Allele origin: germline.
Comment: ClinVar contains an entry for this variant (Variation ID: 1519661). This variant has not been reported in the literature in individuals affected with IFNGR1-related conditions. This variant is not present in population databases (gnomAD no frequency). This sequence change replaces phenylalanine, which is neutral and non-polar, with valine, which is neutral and non-polar, at codon 151 of the IFNGR1 protein (p.Phe151Val). In summary, the available evidence is currently insufficient to determine the role of this variant in disease. Therefore, it has been classified as a Variant of Uncertain Significance. Algorithms developed to predict the effect of missense changes on protein structure and function output the following: SIFT: "Tolerated"; PolyPhen-2: "Benign"; Align-GVGD: "Class C0". The valine amino acid residue is found in multiple mammalian species, which suggests that this missense change does not adversely affect protein function.

NM_000416.3(IFNGR1):c.451T>G (p.Phe151Val)

Gene: IFNGR1 (interferon gamma receptor 1; minus strand). Cytogenetic location: 6q23.3.
Variant type: single nucleotide variant.
Coding change: c.451T>G on transcript NM_000416.3 (MANE Select); coding-DNA position 451, T replaced by G.
Protein change: p.Phe151Val; replaces phenylalanine 151 with valine.
Molecular consequence: missense variant.
Genome position (GRCh38, 1-based): chr6:137,204,427, A>C on the plus strand (T>G on the coding strand, the complement: IFNGR1 is on the minus strand). VCF-style: chr6-137204427-A-C. GRCh37 (hg19) VCF-style: chr6-137525564-A-C.
Other names: c.421T>G, p.Phe141Val (NM_001363526.1); c.328T>G, p.Phe110Val (NM_001363527.1); short protein forms F110V, F141V, F151V.
Identifiers: ClinVar variation 1519661 (VCV001519661.8), dbSNP rs2114479444, ClinGen allele CA365775395.